The following is an entry in ClinVar:

ClinVar aggregate classification (germline): Uncertain significance (1 of 4 stars; one submission).

Submission:

GeneDx
Classification: Uncertain significance. Last evaluated: 2025-03-03. Review status: criteria provided, single submitter. Criteria: GeneDx Variant Classification Process June 2021. Collection method: clinical testing. Allele origin: germline. Affected: yes.
Comment: Not observed at significant frequency in large population cohorts (gnomAD); In silico analysis indicates that this missense variant does not alter protein structure/function; Has not been previously published as pathogenic or benign to our knowledge

NM_007327.4(GRIN1):c.2740G>C (p.Asp914His)

Gene: GRIN1 (glutamate ionotropic receptor NMDA type subunit 1; plus strand). Cytogenetic location: 9q34.3.
Variant type: single nucleotide variant.
Coding change: c.2740G>C on transcript NM_007327.4 (MANE Select); coding-DNA position 2740, G replaced by C.
Protein change: p.Asp914His; replaces aspartic acid 914 with histidine.
Molecular consequence: missense variant. On other transcripts: intron variant (3).
Genome position (GRCh38, 1-based): chr9:137,167,450, G>C. VCF-style: chr9-137167450-G-C. GRCh37 (hg19) VCF-style: chr9-140061902-G-C.
Other names: c.2803G>C, p.Asp935His (NM_001437330.1); c.2692G>C, p.Asp898His (NM_001437331.1); c.2629G>C, p.Asp877His (NM_021569.4); c.2764-324G>C (NM_001185090.2); c.2653-324G>C (NM_001185091.2); c.2590-324G>C (NM_000832.7); short protein forms D877H, D898H, D914H, D935H.
Identifiers: ClinVar variation 4082831 (VCV004082831.1).